The following is an entry in ClinVar:

NM_001371928.1(AHDC1):c.4482del (p.Thr1495fs)

Gene: AHDC1 (AT-hook DNA binding motif containing 1; minus strand). Cytogenetic location: 1p36.11.
Variant type: Deletion.
Coding change: c.4482del on transcript NM_001371928.1 (MANE Select); coding-DNA position 4482, one base deleted (G; older notation c.4482delG).
Protein change: p.Thr1495fs; shifts the reading frame from threonine 1495.
Molecular consequence: frameshift variant.
Genome position (GRCh38, 1-based): chr1:27,547,634, C deleted on the plus strand (G on the coding strand, the reverse complement: AHDC1 is on the minus strand); the first of 2 consecutive C bases (chr1:27,547,634-27,547,635); deleting either gives the same sequence. VCF-style (leftmost placement, unchanged base first): chr1-27547633-TC-T. GRCh37 (hg19) VCF-style: chr1-27874144-TC-T.
Other names: c.4482del, p.Thr1495fs (NM_001029882.3); short protein forms T1495fs.
Identifiers: ClinVar variation 419512 (VCV000419512.2), dbSNP rs1064793924, ClinGen allele CA16617136.

ClinVar aggregate classification (germline): Pathogenic (1 of 4 stars; one submission).

Submission:

GeneDx
Classification: Pathogenic. Last evaluated: 2015-08-13. Review status: criteria provided, single submitter. Criteria: GeneDx Variant Classification (06012015). Collection method: clinical testing. Allele origin: germline. Affected: yes.
Comment: The c.4482delG deletion in the AHDC1 gene has not been reported previously as a pathogenic variant nor as a benign polymorphism, to our knowledge. The c.4482delG deletion causes a frameshift starting with codon Threonine 1495, changes this amino acid to an Arginine residue, and creates a premature Stop codon at position 52 of the new reading frame, denoted p.Thr1495ArgfsX52. This variant is predicted to cause loss of normal protein function through protein truncation. The c.4482delG deletion was not observed in approximately 6500 individuals of European and African American ancestry in theNHLBI Exome Sequencing Project, indicating it is not a common benign variant in these populations.Although this variant has not been previously reported to our knowledge, we interpret it as pathogenic.